The following is an entry in ClinVar:

ClinVar aggregate classification (germline): Conflicting classifications of pathogenicity. Review status: criteria provided, conflicting classifications (1 of 4 stars). 20 submissions from 20 submitters: Uncertain significance (17); Likely benign (1). 2 of the submissions do not count toward it. Last evaluated 2026-01-24.

Conditions:
CHEK2-related disorder.
Bone osteosarcoma. Also called: Osteosarcoma, somatic. Identifiers: Orphanet 668, MedGen C0585442, MONDO:0002629, OMIM 259500.
Familial cancer of breast. Also called: hereditary breast carcinoma; BREAST CANCER, FAMILIAL; Hereditary breast cancer. Identifiers: Orphanet 227535, MedGen C0346153, MONDO:0016419, OMIM 114480. Disease mechanism: loss of function.
CHEK2-related cancer predisposition (TPDS4). Also called: CHEK2-related cancer susceptibility; TUMOR PREDISPOSITION SYNDROME 4; CANCER PREDISPOSITION SYNDROME, CHEK2-RELATED. Identifiers: Orphanet 524, MedGen C5882668, MONDO:0700271, OMIM 609265.
Prostate cancer. Also called: Malignant tumor of prostate. Identifiers: Orphanet 1331, MedGen C0376358, MONDO:0008315, HP:0012125.
Colorectal cancer. Also called: Colorectal cancer, somatic; Malignant Colorectal Neoplasm. Identifiers: MedGen C0346629, MONDO:0005575, OMIM 114500.
Breast and/or ovarian cancer. Identifiers: MedGen CN221562.
Hereditary cancer-predisposing syndrome. Also called: Hereditary neoplastic syndrome; Neoplastic Syndromes, Hereditary; Tumor predisposition; Hereditary Cancer Syndrome. Identifiers: Orphanet 140162, MedGen C0027672, MeSH D009386, MONDO:0015356.

Allele frequency attached by ClinVar (database versions not stated): ESP Exome Variant Server 0.00015; gnomAD 0.00003; TOPMed 0.00005; ExAC 0.00006.
gnomAD v4.1: 73 of 1,613,934 alleles (0.0045%); highest among the groups gnomAD compares: Admixed American, 0.012%; no homozygotes.

Submissions 1 to 10 of 20:

Labcorp Genetics (formerly Invitae), Labcorp
Classification: Uncertain significance for Familial cancer of breast. Last evaluated: 2026-01-24. Review status: criteria provided, single submitter. Criteria: Invitae Variant Classification Sherloc (09022015). Collection method: clinical testing. Allele origin: germline.
Comment: This sequence change replaces arginine, which is basic and polar, with histidine, which is basic and polar, at codon 318 of the CHEK2 protein (p.Arg318His). This variant is present in population databases (rs143611747, gnomAD 0.01%). This missense change has been observed in individual(s) with breast cancer (PMID: 22419737, 26845104, 28580595, 34933735, 35264596). This variant is also known as Arg361His. ClinVar contains an entry for this variant (Variation ID: 133890). An algorithm developed to predict the effect of missense changes on protein structure and function (PolyPhen-2) suggests that this variant is likely to be tolerated. Experimental studies have shown that this missense change affects CHEK2 function (PMID: 22419737). In summary, the available evidence is currently insufficient to determine the role of this variant in disease. Therefore, it has been classified as a Variant of Uncertain Significance.

Hema, HEMA – Genetic and Molecular Diagnostic Laboratory
Classification: Uncertain significance for CHEK2-related cancer predisposition. Last evaluated: 2025-11-06. Review status: criteria provided, single submitter. Criteria: HEMA Variant Classification Assertion Criteria. Collection method: clinical testing. Allele origin: germline.
Comment: The c.953G>A variant is a transition from cytosine to thymine, resulting in the substitution of arginine 318 by histidine in the CHEK2 protein. BP4: The computational metapredictor REVEL score = 0.18 ≤ 0.290, indicating that the variant would not have an effect on the CHEK2 protein.

Quest Diagnostics Nichols Institute San Juan Capistrano
Classification: Uncertain significance. Last evaluated: 2025-06-25. Review status: criteria provided, single submitter. Criteria: Quest Diagnostics criteria. Collection method: clinical testing. Allele origin: unknown.
Comment: The CHEK2 c.953G>A (p.Arg318His) variant has been reported in the published literature in individuals with breast cancer (PMID: 35264596 (2022), 34933735 (2021), 30303537 (2019), 28580595 (2018), 26845104 (2016), 33471991 (2021), see also LOVD), prostate cancer (PMID: 12533788 (2003)), and in reportedly unaffected individuals (PMID: 24728327 (2014), 33471991 (2021), see also LOVD). Assessment of experimental evidence regarding the effect of this variant on protein function is inconclusive (PMID: 22419737 (2012)). The frequency of this variant in the general population (Genome Aggregation Database) is uninformative in the assessment of its pathogenicity. Analysis of this variant using bioinformatics tools for the prediction of the effect of amino acid changes on protein structure and function yielded conflicting predictions that this variant is deleterious or benign. Based on the available information, we are unable to determine the clinical significance of this variant.

Ambry Genetics
Classification: Uncertain significance for Hereditary cancer-predisposing syndrome. Last evaluated: 2025-05-20. Review status: criteria provided, single submitter. Criteria: Ambry Variant Classification Scheme 2023. Collection method: clinical testing. Allele origin: germline.
Comment: The p.R318H variant (also known as c.953G>A), located in coding exon 8 of the CHEK2 gene, results from a G to A substitution at nucleotide position 953. The arginine at codon 318 is replaced by histidine, an amino acid with highly similar properties. This alteration has been identified in multiple breast cancer cohorts as well as in controls (Shirts BH et al. Genet Med. 2016 10;18:974-81; Girard E et al. Int J Cancer. 2019 04;144:1962-1974; Dorling et al. N Engl J Med. 2021 02;384:428-439; Abdel-Razeq H et al. Front Oncol, 2022 Mar;12:673094; Guindalini RSC et al. Sci Rep, 2022 Mar;12:4190). This alteration was also seen in 0/732 breast cancer patients, 1/189 colorectal cancer patients and 0/490 cancer-free elderly controls in a Turkish population (Akcay IM et al. Int J Cancer, 2021 Jan;148:285-295). In a yeast in vivo study, p.R318H resulted in an intermediate response to DNA damage compared to wild-type (Roeb W et al. Hum. Mol. Genet. 2012 Jun;21(12):2738-44). This amino acid position is not well conserved in available vertebrate species. In addition, the in silico prediction for this alteration is inconclusive. Since supporting evidence is limited at this time, the clinical significance of this alteration remains unclear.

Molecular Pathology, Peter Maccallum Cancer Centre
Classification: Uncertain significance for Familial cancer of breast. Last evaluated: 2025-03-19. Review status: criteria provided, single submitter. Criteria: ACMG Guidelines, 2015. Collection method: clinical testing. Allele origin: germline. Inheritance: Autosomal dominant inheritance.

GeneDx
Classification: Uncertain significance. Last evaluated: 2024-12-15. Review status: criteria provided, single submitter. Criteria: GeneDx Variant Classification Process June 2021. Collection method: clinical testing. Allele origin: germline. Affected: yes.
Comment: In silico analysis supports that this missense variant has a deleterious effect on protein structure/function; Not observed at significant frequency in large population cohorts (gnomAD); This variant is associated with the following publications: (PMID: 26845104, 24728327, 12533788, 29872864, 28580595, 30303537, 35402282, 34933735, 33471991, 32658311, 35264596, 22419737, 37449874, 19782031)

Myriad Genetics, Inc.
Classification: Likely benign for Familial cancer of breast. Last evaluated: 2024-10-04. Review status: criteria provided, single submitter. Criteria: Myriad Autosomal Dominant, Autosomal Recessive and X-Linked Classification Criteria (2023). Collection method: clinical testing. Allele origin: unknown.
Comment: This variant is considered likely benign. This variant is strongly associated with less severe personal and family histories of cancer, typical for individuals without pathogenic variants in this gene [PMID: 25085752].

CeGaT Center for Human Genetics Tuebingen
Classification: Uncertain significance. Last evaluated: 2024-09-01. Review status: criteria provided, single submitter. Criteria: CeGaT Center For Human Genetics Tuebingen Variant Classification Criteria Version 2. Collection method: clinical testing. Allele origin: germline. Affected: yes. Observed: 2 variant alleles.
Comment: CHEK2: PS3:Supporting, BP4

Color Diagnostics, LLC DBA Color Health
Classification: Uncertain significance for Hereditary cancer-predisposing syndrome. Last evaluated: 2024-05-31. Review status: criteria provided, single submitter. Criteria: ACMG Guidelines, 2015. Collection method: clinical testing. Allele origin: germline.
Comment: This missense variant replaces arginine with histidine at codon 318 of the CHEK2 protein. Computational prediction suggests that this variant may not impact protein structure and function. Functional studies have shown the mutant protein to exhibit an intermediate functional deficit in a DNA damage repair assay in yeast (PMID: 22419737) and intermediate KAP1 phopsphorylation and wild type-level autophosphorylation activity in a human cell complementation assay (PMID: 37449874). This variant has been reported in individuals affected with breast cancer (PMID 22419737, 26845104, 28580595, 35264596, 35402282), but has also been found in healthy cohorts (PMID 24728327, 30303537). In two large breast cancer case-control meta-analyses, this variant was reported in 13/60466 cases and 5/53461 controls (PMID: 33471991) and 5/73048 cases and 5/88658 controls (PMID: 37449874). This variant has been identified in 13/282864 chromosomes in the general population by the Genome Aggregation Database (gnomAD). The available evidence is insufficient to determine the role of this variant in disease conclusively. Therefore, this variant is classified as a Variant of Uncertain Significance.

Baylor Genetics
Classification: Uncertain significance for Familial cancer of breast. Last evaluated: 2024-03-20. Review status: criteria provided, single submitter. Criteria: ACMG Guidelines, 2015. Collection method: clinical testing. Allele origin: unknown.

NM_007194.4(CHEK2):c.953G>A (p.Arg318His)

Gene: CHEK2 (checkpoint kinase 2; minus strand). Cytogenetic location: 22q12.1.
Variant type: single nucleotide variant.
Coding change: c.953G>A on transcript NM_007194.4 (MANE Select); coding-DNA position 953, G replaced by A.
Protein change: p.Arg318His; replaces arginine 318 with histidine.
Molecular consequence: missense variant.
Genome position (GRCh38, 1-based): chr22:28,699,893, C>T on the plus strand (G>A on the coding strand, the complement: CHEK2 is on the minus strand). VCF-style: chr22-28699893-C-T. GRCh37 (hg19) VCF-style: chr22-29095881-C-T.
Other names: p.R318H:CGC>CAC; c.1082G>A, p.Arg361His (NM_001005735.3); c.290G>A, p.Arg97His (NM_001257387.3); c.752G>A, p.Arg251His (NM_001349956.3); c.953G>A, p.Arg318His (NM_145862.3); short protein forms R318H, R361H, R251H, R97H.
Identifiers: ClinVar variation 133890 (VCV000133890.80), dbSNP rs143611747, ClinGen allele CA158099.
Genomic context (GRCh38, chr22:28,699,893, plus strand): 5'-TTTACCTGCACAGCCAAGAGCATCTGGTAAAAATAGAGCTTGCAGGTAGCTTCTTTCAGG[C>T]GTTTATTCCCCACCACTTTGTCAAACAGCTCTCCCCCTTCCATCCTGAAACACAAAGGCA-3'
Protein context (NP_009125.1, residues 308-328): ELFDKVVGNK[Arg318His]LKEATCKLYF